The following is an entry in ClinVar:

ClinVar aggregate classification (germline): Uncertain significance (1 of 4 stars; one submission).

Submission:

GeneDx
Classification: Uncertain significance. Last evaluated: 2025-05-02. Review status: criteria provided, single submitter. Criteria: GeneDx Variant Classification Process June 2021. Collection method: clinical testing. Allele origin: germline. Affected: yes.
Comment: Not observed at significant frequency in large population cohorts (gnomAD); In silico analysis supports that this missense variant has a deleterious effect on protein structure/function; Has not been previously published as pathogenic or benign to our knowledge

NM_001170629.2(CHD8):c.3226G>A (p.Ala1076Thr)

Gene: CHD8 (chromodomain helicase DNA binding protein 8; minus strand). Cytogenetic location: 14q11.2.
Variant type: single nucleotide variant.
Coding change: c.3226G>A on transcript NM_001170629.2 (MANE Select); coding-DNA position 3226, G replaced by A.
Protein change: p.Ala1076Thr; replaces alanine 1076 with threonine.
Molecular consequence: missense variant.
Genome position (GRCh38, 1-based): chr14:21,405,290, C>T on the plus strand (G>A on the coding strand, the complement: CHD8 is on the minus strand). VCF-style: chr14-21405290-C-T. GRCh37 (hg19) VCF-style: chr14-21873449-C-T.
Other names: c.2389G>A, p.Ala797Thr (NM_020920.4); short protein forms A1076T, A797T.
Identifiers: ClinVar variation 4528028 (VCV004528028.1).